The following is an entry in ClinVar:

NM_003482.4(KMT2D):c.8231A>G (p.Asp2744Gly)

Gene: KMT2D (lysine methyltransferase 2D; minus strand). Cytogenetic location: 12q13.12.
Variant type: single nucleotide variant.
Coding change: c.8231A>G on transcript NM_003482.4 (MANE Select); coding-DNA position 8231, A replaced by G.
Protein change: p.Asp2744Gly; replaces aspartic acid 2744 with glycine.
Molecular consequence: missense variant.
Genome position (GRCh38, 1-based): chr12:49,039,357, T>C on the plus strand (A>G on the coding strand, the complement: KMT2D is on the minus strand). VCF-style: chr12-49039357-T-C. GRCh37 (hg19) VCF-style: chr12-49433140-T-C.
Other names: short protein forms D2744G.
Identifiers: ClinVar variation 4995046 (VCV004995046.1).

ClinVar aggregate classification (germline): Uncertain significance (1 of 4 stars; one submission).

Conditions:
KMT2D-related disorder. Also called: KMT2D-Related Disorders.

Submission:

PreventionGenetics, part of Exact Sciences
Classification: Uncertain significance for KMT2D-related condition. Last evaluated: 2025-12-18. Review status: criteria provided, single submitter. Criteria: ACMG Guidelines, 2015. Collection method: clinical testing. Allele origin: germline.
Comment: The KMT2D c.8231A>G variant is predicted to result in the amino acid substitution p.Asp2744Gly. To our knowledge, this variant has not been reported in the literature or in a large population database (gnomAD), indicating this variant is rare. At this time, the clinical significance of this variant is uncertain due to the absence of conclusive functional and genetic evidence.